The following is an entry in ClinVar:

NM_001195305.3(BBIP1):c.177dup (p.Ser60fs)

Gene: BBIP1 (BBSome interacting protein 1; minus strand). Cytogenetic location: 10q25.2.
Variant type: Duplication.
Coding change: c.177dup on transcript NM_001195305.3 (MANE Select); coding-DNA position 177, one base duplicated (A; older notation c.177dupA).
Protein change: p.Ser60fs; shifts the reading frame from serine 60.
Molecular consequence: frameshift variant. On other transcripts: 3 prime UTR variant (1).
Genome position (GRCh38, 1-based): chr10:110,900,462, T duplicated on the plus strand (A on the coding strand, the reverse complement: BBIP1 is on the minus strand); the first of 4 consecutive T bases (chr10:110,900,462-110,900,465); duplicating any one gives the same sequence. VCF-style (leftmost placement, unchanged base first): chr10-110900461-A-AT. GRCh37 (hg19) VCF-style: chr10-112660219-A-AT.
Other names: c.*22dup (NM_001195304.2); c.177dup, p.Ser60fs (NM_001195306.2); c.102dup, p.Ser35fs (NM_001195307.2); c.111dup, p.Ser38fs (NM_001243783.3); short protein forms S60fs, S38fs, S35fs.
Identifiers: ClinVar variation 2844432 (VCV002844432.3), dbSNP rs1236337055, ClinGen allele CA659854043.

ClinVar aggregate classification (germline): Uncertain significance (1 of 4 stars; one submission).

Submission:

Labcorp Genetics (formerly Invitae), Labcorp
Classification: Uncertain significance. Last evaluated: 2023-12-11. Review status: criteria provided, single submitter. Criteria: Invitae Variant Classification Sherloc (09022015). Collection method: clinical testing. Allele origin: germline.
Comment: This sequence change results in a frameshift in the BBIP1 gene (p.Ser60Ilefs*38). While this is not anticipated to result in nonsense mediated decay, it is expected to disrupt the last 33 amino acid(s) of the BBIP1 protein and extend the protein by 4 additional amino acid residues. This variant is not present in population databases (gnomAD no frequency). This variant has not been reported in the literature in individuals affected with BBIP1-related conditions. In summary, the available evidence is currently insufficient to determine the role of this variant in disease. Therefore, it has been classified as a Variant of Uncertain Significance.